The following is an entry in ClinVar:

NM_001199107.2(TBC1D24):c.1387C>T (p.Pro463Ser)

Gene: TBC1D24 (TBC1 domain family member 24; plus strand). Cytogenetic location: 16p13.3.
Variant type: single nucleotide variant.
Coding change: c.1387C>T on transcript NM_001199107.2 (MANE Select); coding-DNA position 1387, C replaced by T.
Protein change: p.Pro463Ser; replaces proline 463 with serine.
Molecular consequence: missense variant.
Genome position (GRCh38, 1-based): chr16:2,500,352, C>T. VCF-style: chr16-2500352-C-T. GRCh37 (hg19) VCF-style: chr16-2550353-C-T.
Other names: c.1369C>T, p.Pro457Ser (NM_020705.3); short protein forms P457S, P463S.
Identifiers: ClinVar variation 2662698 (VCV002662698.1), dbSNP rs1409171820, ClinGen allele CA394380778.

ClinVar aggregate classification (germline): Uncertain significance (1 of 4 stars; one submission).

Submission:

GeneDx
Classification: Uncertain significance. Last evaluated: 2023-04-14. Review status: criteria provided, single submitter. Criteria: GeneDx Variant Classification Process June 2021. Collection method: clinical testing. Allele origin: germline. Affected: yes.
Comment: Not observed at significant frequency in large population cohorts (gnomAD); In silico analysis supports that this missense variant does not alter protein structure/function; Has not been previously published as pathogenic or benign to our knowledge